The following is an entry in ClinVar:

ClinVar aggregate classification (germline): Likely benign. Review status: reviewed by expert panel (3 of 4 stars). 6 submissions from 6 submitters: Likely benign (1). 5 of the submissions do not count toward it. Last evaluated 2017-06-29.

Conditions:
Hereditary cancer-predisposing syndrome. Also called: Hereditary Cancer Syndrome; Hereditary neoplastic syndrome; Tumor predisposition; Neoplastic Syndromes, Hereditary. Identifiers: Orphanet 140162, MedGen C0027672, MeSH D009386, MONDO:0015356.
Hereditary breast ovarian cancer syndrome. Also called: Hereditary breast and ovarian cancer syndrome; Hereditary breast and ovarian cancer syndrome (HBOC); BRCA1- and BRCA2-Associated Hereditary Breast and Ovarian Cancer; Breast and ovarian cancer; Hereditary breast and ovarian cancer; Hereditary breast and/or ovarian cancer syndrome. Identifiers: Orphanet 145, MedGen C0677776, MeSH D061325, MONDO:0003582. Disease mechanism: loss of function.
Breast-ovarian cancer, familial, susceptibility to, 1 (BROVCA1). Also called: OVARIAN CANCER, SUSCEPTIBILITY TO; BRCA1 Hereditary Breast and Ovarian Cancer. Identifiers: Orphanet 145, MedGen C2676676, MONDO:0011450, OMIM 604370. Disease mechanism: loss of function.

Allele frequency attached by ClinVar (database versions not stated): gnomAD exomes below 0.00001.
gnomAD v4.1: 2 of 1,613,832 alleles (0.00012%); highest among the groups gnomAD compares: Middle Eastern, 0.033%; no homozygotes.

Submissions (7):

Evidence-based Network for the Interpretation of Germline Mutant Alleles (ENIGMA)
Classification: Likely benign for Breast-ovarian cancer, familial, susceptibility to, 1. Last evaluated: 2017-06-29. Review status: reviewed by expert panel. Criteria: ENIGMA BRCA1/2 Classification Criteria (2017-06-29). Collection method: curation. Allele origin: germline.
Comment: Synonymous substitution variant, with low bioinformatic likelihood to result in a splicing aberration (Splicing prior probability 0.02).

Labcorp Genetics (formerly Invitae), Labcorp
Classification: Likely benign for Hereditary breast ovarian cancer syndrome. Last evaluated: 2025-03-29. Review status: criteria provided, single submitter. Criteria: Invitae Variant Classification Sherloc (09022015). Collection method: clinical testing. Allele origin: germline. Not counted in ClinVar's aggregate classification.

All of Us Research Program, National Institutes of Health
Classification: Likely benign for Breast-ovarian cancer, familial, susceptibility to, 1. Last evaluated: 2023-03-04. Review status: criteria provided, single submitter. Criteria: ACMG Guidelines, 2015. Collection method: clinical testing. Allele origin: germline. Inheritance: Autosomal dominant inheritance. Observed: 1 variant allele, 1 heterozygote. Not counted in ClinVar's aggregate classification.
Comment: This study involves interpretation of variants in research participants for the purpose of population health screening. Participant phenotype was not available at the time of variant classification. Additional details can be found in publication PMID: 35346344, PMCID: PMC8962531

Women's Health and Genetics/Laboratory Corporation of America, LabCorp
Classification: Likely benign. Last evaluated: 2019-08-21. Review status: criteria provided, single submitter. Criteria: LabCorp Variant Classification Summary - May 2015. Collection method: clinical testing. Allele origin: germline. Not counted in ClinVar's aggregate classification.
Comment: Variant summary: BRCA1 c.5280C>A (p.Ile1760Ile) alters a conserved nucleotide located close to a canonical splice site and therefore could affect mRNA splicing, leading to a significantly altered protein sequence. 4/4 computational tools predict no significant impact on normal splicing. However, these predictions have yet to be confirmed by functional studies. The variant was absent in 251176 control chromosomes. The available data on variant occurrences in the general population are insufficient to allow any conclusion about variant significance. To our knowledge, no occurrence of c.5280C>A in individuals affected with Hereditary Breast and Ovarian Cancer and no experimental evidence demonstrating its impact on protein function have been reported. Two clinical diagnostic laboratories and one expert panel (ENIGMA) have submitted clinical-significance assessments for this variant to ClinVar after 2014 without evidence for independent evaluation. All submitters classified the variant as likely benign. Based on the evidence outlined above, the variant was classified as likely benign.

Color Diagnostics, LLC DBA Color Health
Classification: Likely benign for Hereditary cancer-predisposing syndrome. Last evaluated: 2017-09-16. Review status: criteria provided, single submitter. Criteria: ACMG Guidelines, 2015. Collection method: clinical testing. Allele origin: germline. Not counted in ClinVar's aggregate classification.

Ambry Genetics
Classification: Likely benign for Hereditary cancer-predisposing syndrome. Last evaluated: 2014-10-22. Review status: criteria provided, single submitter. Criteria: Ambry Variant Classification Scheme 2023. Collection method: clinical testing. Allele origin: germline. Not counted in ClinVar's aggregate classification.

Brotman Baty Institute, University of Washington
No classification provided (evidence only). Condition: Breast-ovarian cancer, familial 1. Review status: no classification provided. Collection method: in vitro. Allele origin: not applicable. Functional consequence: functionally_normal. Not counted in ClinVar's aggregate classification.
ClinVar note: "not provided" was previously submitted as the classification for the variant. However, the classification appeared to be based only on an observation of functional data so it was converted to no classification on 2025-07-30.

NM_007294.4(BRCA1):c.5280C>A (p.Ile1760=)

Gene: BRCA1 (BRCA1 DNA repair associated; minus strand). Cytogenetic location: 17q21.31.
Variant type: single nucleotide variant.
Coding change: c.5280C>A on transcript NM_007294.4 (MANE Select); coding-DNA position 5280, C replaced by A.
Protein change: p.Ile1760=; no amino-acid change (isoleucine 1760 retained).
Molecular consequence: synonymous variant. On other transcripts: intron variant (2).
Genome position (GRCh38, 1-based): chr17:43,051,115, G>T on the plus strand (C>A on the coding strand, the complement: BRCA1 is on the minus strand). VCF-style: chr17-43051115-G-T. GRCh37 (hg19) VCF-style: chr17-41203132-G-T.
Other names: c.1842C>A, p.Ile614= (NM_001408448.1, NM_001408450.1, NM_001408445.1 and 2 more transcripts); c.1836C>A, p.Ile612= (NM_001408451.1); c.1830C>A, p.Ile610= (NM_001408452.1, NM_001408453.1, NM_001408454.1 and 3 more transcripts); c.1827C>A, p.Ile609= (NM_001408458.1, NM_001408459.1, NM_001408460.1 and 7 more transcripts); c.1824C>A, p.Ile608= (NM_001408468.1, NM_001408469.1, NM_001408470.1); c.1968C>A, p.Ile656= (NM_001408472.1, NM_007298.4, NM_007299.4 and 13 more transcripts); c.1965C>A, p.Ile655= (NM_001408473.1, NM_001408392.1, NM_001408396.1 and 8 more transcripts); c.1770C>A, p.Ile590= (NM_001408474.1); and 74 more.
Identifiers: ClinVar variation 186911 (VCV000186911.23), dbSNP rs750040616, ClinGen allele CA003441.
Genomic context (GRCh38, chr17:43,051,115, plus strand): 5'-GCTCTTACCTGTGGGCATGTTGGTGAAGGGCCCATAGCAACAGATTTCTAGCCCCCTGAA[G>T]ATCTGGAAGAAGAGAGGAAGAGAGAGGGACAGGGGAATGGAGAGAAGGAAAATCTAGTTA-3'
Protein context (NP_009225.1, residues 1750-1770): KRARESQDRK[Ile1760=]FRGLEICCYG